The following is an entry in ClinVar:

NM_153704.6(TMEM67):c.1576-8T>G

Gene: TMEM67 (transmembrane protein 67; plus strand). Cytogenetic location: 8q22.1.
Variant type: single nucleotide variant.
Coding change: c.1576-8T>G on transcript NM_153704.6 (MANE Select); 8 bases into the intron before coding-DNA position 1576, T replaced by G.
Molecular consequence: intron variant.
Genome position (GRCh38, 1-based): chr8:93,793,190, T>G. VCF-style: chr8-93793190-T-G. GRCh37 (hg19) VCF-style: chr8-94805418-T-G.
Other names: c.1333-8T>G (NM_001142301.1).
Identifiers: ClinVar variation 4988223 (VCV004988223.1).
Genomic context (GRCh38, chr8:93,793,190, plus strand): 5'-GTTCACAGTGTTTTTGAACACCGATGACAGAAATTACATAAATTCTCAATTGTTCTTTTG[T>G]TTTTTAGATTGCTTTGGGTGTATTGGGTGGGCTAGCTGTTTTAGCATCTCTTTTGAAGAC-3'

ClinVar aggregate classification (germline): Uncertain significance (1 of 4 stars; one submission).

Conditions:
TMEM67-related disorder. Also called: TMEM67-related disorders; TMEM67-related condition. Identifiers: MedGen CN239423.

gnomAD v4.1: 1 of 1,612,378 alleles (0.000062%); highest among the groups gnomAD compares: Non-Finnish European, 0.000085%; no homozygotes.

Submission:

PreventionGenetics, part of Exact Sciences
Classification: Uncertain significance for TMEM67-related condition. Last evaluated: 2025-08-02. Review status: criteria provided, single submitter. Criteria: ACMG Guidelines, 2015. Collection method: clinical testing. Allele origin: germline.
Comment: The TMEM67 c.1576-8T>G variant is predicted to interfere with splicing. To our knowledge, this variant has not been reported in the literature or in a large population database (gnomAD), indicating this variant is rare. At this time, the clinical significance of this variant is uncertain due to the absence of conclusive functional and genetic evidence.